The following is an entry in ClinVar:

ClinVar aggregate classification (germline): Pathogenic (1 of 4 stars; one submission).

Conditions:
Hereditary cancer-predisposing syndrome. Also called: Neoplastic Syndromes, Hereditary; Tumor predisposition; Hereditary Cancer Syndrome; Hereditary neoplastic syndrome. Identifiers: Orphanet 140162, MedGen C0027672, MeSH D009386, MONDO:0015356.

Submission:

Ambry Genetics
Classification: Pathogenic for Hereditary cancer-predisposing syndrome. Last evaluated: 2020-05-15. Review status: criteria provided, single submitter. Criteria: Ambry Variant Classification Scheme 2023. Collection method: clinical testing. Allele origin: germline.
Comment: The c.1694_1697delTCCC pathogenic mutation, located in coding exon 12 of the PTCH1 gene, results from a deletion of 4 nucleotides at nucleotide positions 1694 to 1697, causing a translational frameshift with a predicted alternate stop codon (p.I565Kfs*14). This alteration is expected to result in loss of function by premature protein truncation or nonsense-mediated mRNA decay. As such, this alteration is interpreted as a disease-causing mutation.

NM_000264.5(PTCH1):c.1694_1697del (p.Ile565fs)

Gene: PTCH1 (patched 1; minus strand). Cytogenetic location: 9q22.32.
Variant type: Deletion.
Coding change: c.1694_1697del on transcript NM_000264.5 (MANE Select); coding-DNA positions 1694 to 1697, 4 bases deleted (TCCC; older notation c.1694_1697delTCCC).
Protein change: p.Ile565fs; shifts the reading frame from isoleucine 565.
Molecular consequence: frameshift variant. On other transcripts: non-coding transcript variant (1).
Genome position (GRCh38, 1-based): chr9:95,476,065-95,476,068, GGGA deleted on the plus strand (TCCC on the coding strand, the reverse complement: PTCH1 is on the minus strand). VCF-style (leftmost placement, unchanged base first): chr9-95476064-TGGGA-T. GRCh37 (hg19) VCF-style: chr9-98238346-TGGGA-T.
Other names: c.1496_1499del, p.Ile499fs (NM_001083602.3); c.1691_1694del, p.Ile564fs (NM_001083603.3); c.1241_1244del, p.Ile414fs (NM_001083604.3, NM_001083605.3, NM_001083606.3 and 1 more transcripts); c.1538_1541del, p.Ile513fs (NM_001354918.2); short protein forms I499fs, I414fs, I564fs, I565fs, I513fs.
Identifiers: ClinVar variation 1778190 (VCV001778190.2), dbSNP rs2538192076, ClinGen allele CA2580080890.